The following is an entry in ClinVar:

NM_000341.4(SLC3A1):c.1104G>A (p.Met368Ile)

Gene: SLC3A1 (solute carrier family 3 member 1; plus strand). Cytogenetic location: 2p21.
Variant type: single nucleotide variant.
Coding change: c.1104G>A on transcript NM_000341.4 (MANE Select); coding-DNA position 1104, G replaced by A.
Protein change: p.Met368Ile; replaces methionine 368 with isoleucine.
Molecular consequence: missense variant.
Genome position (GRCh38, 1-based): chr2:44,301,095, G>A. VCF-style: chr2-44301095-G-A. GRCh37 (hg19) VCF-style: chr2-44528234-G-A.
Other names: short protein forms M368I.
Identifiers: ClinVar variation 2098490 (VCV002098490.4), dbSNP rs2465939463, ClinGen allele CA346681409.

ClinVar aggregate classification (germline): Uncertain significance (1 of 4 stars; one submission).

Conditions:
Cystinuria (CSNU). Also called: CYSTINURIA, TYPE I; CYSTINURIA, TYPE II; CYSTINURIA, TYPE III; Cystinuria, non-type I. Identifiers: Orphanet 214, MedGen C0010691, MONDO:0009067, OMIM 220100, HP:0003131.

Submission:

Labcorp Genetics (formerly Invitae), Labcorp
Classification: Uncertain significance for Cystinuria. Last evaluated: 2022-10-17. Review status: criteria provided, single submitter. Criteria: Invitae Variant Classification Sherloc (09022015). Collection method: clinical testing. Allele origin: germline.
Comment: In summary, the available evidence is currently insufficient to determine the role of this variant in disease. Therefore, it has been classified as a Variant of Uncertain Significance. Algorithms developed to predict the effect of sequence changes on RNA splicing suggest that this variant may disrupt the consensus splice site. Algorithms developed to predict the effect of missense changes on protein structure and function (SIFT, PolyPhen-2, Align-GVGD) all suggest that this variant is likely to be tolerated. This variant has not been reported in the literature in individuals affected with SLC3A1-related conditions. This variant is not present in population databases (gnomAD no frequency). This sequence change replaces methionine, which is neutral and non-polar, with isoleucine, which is neutral and non-polar, at codon 368 of the SLC3A1 protein (p.Met368Ile).